The following is an entry in ClinVar:

ClinVar aggregate classification (germline): Uncertain significance. Review status: criteria provided, multiple submitters, no conflicts (2 of 4 stars). 2 submissions from 2 submitters: Uncertain significance (2). Last evaluated 2025-02-12.

Conditions:
Hereditary cancer-predisposing syndrome. Also called: Tumor predisposition; Hereditary Cancer Syndrome; Neoplastic Syndromes, Hereditary; Hereditary neoplastic syndrome. Identifiers: Orphanet 140162, MedGen C0027672, MeSH D009386, MONDO:0015356.
Ataxia-telangiectasia syndrome (AT). Also called: Cerebello-oculocutaneous telangiectasia; Immunodeficiency with ataxia telangiectasia; Ataxia-telangiectasia, complementation group D; AT, COMPLEMENTATION GROUP C; Ataxia-telangiectasia, complementation group E; LOUIS-BAR SYNDROME. Identifiers: Orphanet 100, MedGen C0004135, MONDO:0008840, OMIM 208900.

Submissions (2):

Ambry Genetics
Classification: Uncertain significance for Hereditary cancer-predisposing syndrome. Last evaluated: 2025-02-12. Review status: criteria provided, single submitter. Criteria: Ambry Variant Classification Scheme 2023. Collection method: clinical testing. Allele origin: germline.
Comment: The p.R221S variant (also known as c.663A>T) is located in coding exon 6 of the ATM gene. The arginine at codon 221 is replaced by serine, an amino acid with dissimilar properties. This change occurs in the first base pair of coding exon 6. This amino acid position is highly conserved in available vertebrate species. In addition, this alteration is predicted to be tolerated by in silico analysis. Since supporting evidence is limited at this time, the clinical significance of this alteration remains unclear.

Labcorp Genetics (formerly Invitae), Labcorp
Classification: Uncertain significance for Ataxia-telangiectasia syndrome. Last evaluated: 2019-11-21. Review status: criteria provided, single submitter. Criteria: Invitae Variant Classification Sherloc (09022015). Collection method: clinical testing. Allele origin: germline.
Comment: In summary, the available evidence is currently insufficient to determine the role of this variant in disease. Therefore, it has been classified as a Variant of Uncertain Significance. Algorithms developed to predict the effect of missense changes on protein structure and function do not agree on the potential impact of this missense change (SIFT: "Tolerated"; PolyPhen-2: "Possibly Damaging"; Align-GVGD: "Class C0"). This variant has not been reported in the literature in individuals with ATM-related disease. This variant is not present in population databases (ExAC no frequency). This sequence change replaces arginine with serine at codon 221 of the ATM protein (p.Arg221Ser). The arginine residue is highly conserved and there is a moderate physicochemical difference between arginine and serine.

NM_000051.4(ATM):c.663A>T (p.Arg221Ser)

Gene: ATM (ATM serine/threonine kinase; plus strand). Cytogenetic location: 11q22.3.
Variant type: single nucleotide variant.
Coding change: c.663A>T on transcript NM_000051.4 (MANE Select); coding-DNA position 663, A replaced by T.
Protein change: p.Arg221Ser; replaces arginine 221 with serine.
Molecular consequence: missense variant.
Genome position (GRCh38, 1-based): chr11:108,244,788, A>T. VCF-style: chr11-108244788-A-T. GRCh37 (hg19) VCF-style: chr11-108115515-A-T.
Other names: c.663A>T, p.Arg221Ser (NM_001351834.2); short protein forms R221S.
Identifiers: ClinVar variation 453639 (VCV000453639.10), dbSNP rs1555066913, ClinGen allele CA382528901.